The following is an entry in ClinVar:

NM_001164277.2(SLC37A4):c.796_797del (p.Met266fs)

Gene: SLC37A4 (solute carrier family 37 member 4; minus strand). Cytogenetic location: 11q23.3.
Variant type: Deletion.
Coding change: c.796_797del on transcript NM_001164277.2 (MANE Select); coding-DNA positions 796 to 797, 2 bases deleted (AT; older notation c.796_797delAT).
Protein change: p.Met266fs; shifts the reading frame from methionine 266.
Molecular consequence: frameshift variant.
Genome position (GRCh38, 1-based): chr11:119,026,676-119,026,677, AT deleted on the plus strand (AT on the coding strand, the reverse complement: SLC37A4 is on the minus strand). VCF-style (leftmost placement, unchanged base first): chr11-119026675-CAT-C. GRCh37 (hg19) VCF-style: chr11-118897385-CAT-C.
Other names: c.796_797delAT (NM_001164277.1); c.796_797del, p.Met266fs (NM_001164278.2, NM_001164280.2, NM_001467.6); c.577_578del, p.Met193fs (NM_001164279.2); short protein forms M266fs, M193fs.
Identifiers: ClinVar variation 648054 (VCV000648054.8), dbSNP rs1592111172, ClinGen allele CA915947775.
Genomic context (GRCh38, chr11:119,026,675, plus strand): 5'-CCGGTCTGACAGGTAGCCAGCTGCGATGCTGCCTACAAGGCCCCCAACTTCCAGGGCACT[CAT>C]GTAGGAGCTACCTGCAGTAGGGAGTTGTGGTGGGAAGAGGGAAGGGAAGGGTGGGAGGGT-3'

ClinVar aggregate classification (germline): Pathogenic (1 of 4 stars; one submission).

Conditions:
Glucose-6-phosphate transport defect (GSD1B). Also called: GSD Ib; Glycogen Storage Disease Type Ib. Identifiers: Orphanet 364, Orphanet 79259, MedGen C0268146, MONDO:0009288, OMIM 232220.

Submission:

Labcorp Genetics (formerly Invitae), Labcorp
Classification: Pathogenic for Glucose-6-phosphate transport defect. Last evaluated: 2020-11-20. Review status: criteria provided, single submitter. Criteria: Invitae Variant Classification Sherloc (09022015). Collection method: clinical testing. Allele origin: germline.
Comment: For these reasons, this variant has been classified as Pathogenic. This variant has not been reported in the literature in individuals with SLC37A4-related conditions. ClinVar contains an entry for this variant (Variation ID: 648054). This variant is not present in population databases (ExAC no frequency). This sequence change creates a premature translational stop signal (p.Met266Glufs*59) in the SLC37A4 gene. It is expected to result in an absent or disrupted protein product. Loss-of-function variants in SLC37A4 are known to be pathogenic (PMID: 9758626, 10940311).

Literature cited by the submitters: PubMed 9758626; PubMed 10940311.